The following is an entry in ClinVar:

ClinVar aggregate classification (germline): Likely benign (1 of 4 stars; one submission).

Submission:

CeGaT Center for Human Genetics Tuebingen
Classification: Likely benign. Last evaluated: 2024-04-01. Review status: criteria provided, single submitter. Criteria: CeGaT Center For Human Genetics Tuebingen Variant Classification Criteria Version 2. Collection method: clinical testing. Allele origin: germline. Affected: yes. Observed: 1 variant allele.
Comment: TTN: PM2:Supporting, BP4, BP7

NM_001267550.2(TTN):c.63360T>C (p.Asn21120=)

Genes: TTN (titin; minus strand), TTN-AS1 (TTN antisense RNA 1; plus strand). Cytogenetic location: 2q31.2.
Variant type: single nucleotide variant.
Coding change: c.63360T>C on transcript NM_001267550.2 (MANE Select); coding-DNA position 63360, T replaced by C.
Protein change: p.Asn21120=; no amino-acid change (asparagine 21120 retained).
Molecular consequence: synonymous variant.
Genome position (GRCh38, 1-based): chr2:178,588,047, A>G on the plus strand (T>C on the coding strand, the complement: TTN is on the minus strand). VCF-style: chr2-178588047-A-G. GRCh37 (hg19) VCF-style: chr2-179452774-A-G.
Other names: c.58437T>C, p.Asn19479= (NM_001256850.1); c.36165T>C, p.Asn12055= (NM_003319.4); c.55656T>C, p.Asn18552= (NM_133378.4); c.36540T>C, p.Asn12180= (NM_133432.3); c.36741T>C, p.Asn12247= (NM_133437.4).
Identifiers: ClinVar variation 3234765 (VCV003234765.20), dbSNP rs2469323681, ClinGen allele CA430091493.
Genomic context (GRCh38, chr2:178,588,047, plus strand): 5'-TTCCTGGTTTTCATCCAAGCTGGTAACAGTGAATTCCTTGCGTACAAGCTGTGCTGCAGC[A>G]TTACACCGTTTCCAGCCTTCATCAGGAGACGCATCTGCTATTTTTGGTCTCATTTCCACA-3'
Protein context (NP_001254479.2, residues 21110-21130): ASPDEGWKRC[Asn21120=]AAAQLVRKEF